The following is an entry in ClinVar:

NM_000059.4(BRCA2):c.3160_3163del (p.Asp1054fs)

Gene: BRCA2 (BRCA2 DNA repair associated; plus strand). Cytogenetic location: 13q13.1.
Variant type: Deletion.
Coding change: c.3160_3163del on transcript NM_000059.4 (MANE Select); coding-DNA positions 3160 to 3163, 4 bases deleted (GATA; older notation c.3160_3163delGATA).
Protein change: p.Asp1054fs; shifts the reading frame from aspartic acid 1054.
Molecular consequence: frameshift variant.
Genome position (GRCh38, 1-based): chr13:32,337,515-32,337,518, GATA deleted; deleting any 4 consecutive bases within chr13:32,337,513-32,337,518 gives the same sequence; the c. name uses the placement nearest the transcript's 3' end. VCF-style (leftmost placement, unchanged base first): chr13-32337512-TTAGA-T. GRCh37 (hg19) VCF-style: chr13-32911649-TTAGA-T.
Other names: 3388_3391delGATA; 3388del4; c.3160_3163delGATA (NM_000059.3).
Identifiers: ClinVar variation 37824 (VCV000037824.33), dbSNP rs80359371, ClinGen allele CA017329.
Genomic context (GRCh38, chr13:32,337,512, plus strand): 5'-GATATTGAAGAACAATATCCTACTAGTTTAGCTTGTGTTGAAATTGTAAATACCTTGGCA[TTAGA>T]TAATCAAAAGAAACTGAGCAAGCCTCAGTCAATTAATACTGTATCTGCACATTTACAGAG-3'

ClinVar aggregate classification (germline): Pathogenic. Review status: reviewed by expert panel (3 of 4 stars). 15 submissions from 15 submitters: Pathogenic (1). 14 of the submissions do not count toward it. Last evaluated 2016-04-22.

Conditions:
Pancreatic cancer, susceptibility to, 2. Identifiers: Orphanet 1333, MedGen C3150546, MONDO:0013235, OMIM 613347.
Glioma susceptibility 3 (GLM3). Also called: Glioblastoma 3. Identifiers: Orphanet 182067, Orphanet 360, MedGen C2751641, MONDO:0013093, OMIM 613029.
Familial prostate cancer. Also called: Hereditary Prostate Cancer. Identifiers: MedGen C2931456, MONDO:0700275, OMIM 176807.
Breast-ovarian cancer, familial, susceptibility to, 2 (BROVCA2). Also called: BRCA2 Hereditary Breast and Ovarian Cancer. Identifiers: Orphanet 145, MedGen C2675520, MONDO:0012933, OMIM 612555. Disease mechanism: loss of function.
Fanconi anemia complementation group D1. Also called: BRCA2-Related Fanconi Anemia. Identifiers: Orphanet 319462, MedGen C1838457, MONDO:0011584, OMIM 605724.
Medulloblastoma (MDB). Also called: Medulloblastoma, somatic; MEDULLOBLASTOMA PREDISPOSITION SYNDROME. Identifiers: Orphanet 616, MedGen C0025149, MeSH D008527, MONDO:0007959, OMIM 155255, HP:0002885.
Wilms tumor 1 (WT1). Also called: Wilms tumor, somatic. Identifiers: Orphanet 654, MedGen CN033288, MONDO:0008679, OMIM 194070.
Familial cancer of breast. Also called: BREAST CANCER, FAMILIAL; hereditary breast carcinoma; Hereditary breast cancer. Identifiers: Orphanet 227535, MedGen C0346153, MONDO:0016419, OMIM 114480. Disease mechanism: loss of function.
BRCA2-related cancer predisposition. Identifiers: MedGen CN377758, MONDO:0700269.
Hereditary cancer-predisposing syndrome. Also called: Neoplastic Syndromes, Hereditary; Tumor predisposition; Hereditary Cancer Syndrome; Hereditary neoplastic syndrome. Identifiers: Orphanet 140162, MedGen C0027672, MeSH D009386, MONDO:0015356.
Hereditary breast ovarian cancer syndrome. Also called: Breast and ovarian cancer; Hereditary breast and ovarian cancer; Hereditary breast and ovarian cancer syndrome (HBOC); Hereditary breast and ovarian cancer syndrome; BRCA1- and BRCA2-Associated Hereditary Breast and Ovarian Cancer; Hereditary breast and/or ovarian cancer syndrome. Identifiers: Orphanet 145, MedGen C0677776, MeSH D061325, MONDO:0003582. Disease mechanism: loss of function.

Submissions 1 to 9 of 15:

Evidence-based Network for the Interpretation of Germline Mutant Alleles (ENIGMA)
Classification: Pathogenic for Breast-ovarian cancer, familial, susceptibility to, 2. Last evaluated: 2016-04-22. Review status: reviewed by expert panel. Criteria: ENIGMA BRCA1/2 Classification Criteria (2015). Collection method: curation. Allele origin: germline.
Comment: Variant allele predicted to encode a truncated non-functional protein.

Labcorp Genetics (formerly Invitae), Labcorp
Classification: Pathogenic for Hereditary breast ovarian cancer syndrome. Last evaluated: 2025-03-24. Review status: criteria provided, single submitter. Criteria: Invitae Variant Classification Sherloc (09022015). Collection method: clinical testing. Allele origin: germline. Not counted in ClinVar's aggregate classification.
Comment: This sequence change creates a premature translational stop signal (p.Asp1054Ilefs*5) in the BRCA2 gene. It is expected to result in an absent or disrupted protein product. Loss-of-function variants in BRCA2 are known to be pathogenic (PMID: 20104584). This variant is not present in population databases (gnomAD no frequency). This premature translational stop signal has been observed in individual(s) with BRCA2-related conditions (PMID: 10923033, 21520333). ClinVar contains an entry for this variant (Variation ID: 37824). For these reasons, this variant has been classified as Pathogenic.

ARUP Laboratories, Molecular Genetics and Genomics, ARUP Laboratories
Classification: Pathogenic. Last evaluated: 2024-09-10. Review status: criteria provided, single submitter. Criteria: ARUP Molecular Germline Variant Investigation Process 2024. Collection method: clinical testing. Allele origin: germline. Not counted in ClinVar's aggregate classification.
Comment: The BRCA2 c.3160_3163del; p.Asp1054IlefsTer5 variant (rs80359371, ClinVar Variation ID: 37824) is reported in the literature in cohorts with suspicion of breast and ovarian cancer (Li 2020, Rebbeck 2018). This variant is absent from the Genome Aggregation Database (v2.1.1), indicating it is not a common polymorphism. This variant causes a frameshift by deleting four nucleotides, so it is predicted to result in a truncated protein or mRNA subject to nonsense-mediated decay. Based on available information, this variant is considered to be pathogenic. References: Li H et al. Classification of variants of uncertain significance in BRCA1 and BRCA2 using personal and family history of cancer from individuals in a large hereditary cancer multigene panel testing cohort. Genet Med. 2020 Apr;22(4):701-708. PMID: 31853058. Rebbeck TR et al. Mutational spectrum in a worldwide study of 29,700 families with BRCA1 or BRCA2 mutations. Hum Mutat. 2018 May;39(5):593-620. PMID: 29446198.

Baylor Genetics
Classification: Pathogenic for Familial cancer of breast. Last evaluated: 2024-02-06. Review status: criteria provided, single submitter. Criteria: ACMG Guidelines, 2015. Collection method: clinical testing. Allele origin: unknown. Not counted in ClinVar's aggregate classification.

All of Us Research Program, National Institutes of Health
Classification: Pathogenic for Breast-ovarian cancer, familial, susceptibility to, 2. Last evaluated: 2023-12-15. Review status: criteria provided, single submitter. Criteria: ACMG Guidelines, 2015. Collection method: clinical testing. Allele origin: germline. Inheritance: Autosomal dominant inheritance. Observed: 2 variant alleles, 2 heterozygotes. Not counted in ClinVar's aggregate classification.
Comment: The c.3160_3163del (p.Asp1054Ilefs*5) variant in the BRCA2 gene is located on the exon 11 and is predicted to cause shift of reading frame that introduces a premature translation termination codon (p.Asp1054Ilefs*5), resulting in an absent or disrupted protein product. The variant has been reported in individuals with breast and/or ovarian cancer (PMID: 31853058, 28281021). Loss-of-function variants of BRCA2 are known to be pathogenic (PMID: 8988179, 11897832, 29446198). The variant is reported in ClinVar as pathogenic (ID: 37824) and reviewed by the expert panel. The variant is absent in the general population database (gnomAD). Therefore, the c.3160_3163del (p.Asp1054Ilefs*5) variant of BRCA2 has been classified as pathogenic.

This study involves interpretation of variants in research participants for the purpose of population health screening. Participant phenotype was not available at the time of variant classification. Additional details can be found in publication PMID: 35346344, PMCID: PMC8962531

Quest Diagnostics Nichols Institute San Juan Capistrano
Classification: Pathogenic. Last evaluated: 2023-12-05. Review status: criteria provided, single submitter. Criteria: Quest Diagnostics criteria. Collection method: clinical testing. Allele origin: unknown. Not counted in ClinVar's aggregate classification.
Comment: The BRCA2 c.3160_3163del (p.Asp1054Ilefs*5) variant (also known as 3388del4, 3159_3162delAGAT) alters the translational reading frame of the BRCA2 mRNA and causes the premature termination of BRCA2 protein synthesis. In the published literature, this variant has been reported in individuals with personal and/or family history of breast/ovarian and unspecified hereditary cancer (PMIDs: 29446198 (2018), 28281021 (2017)). This variant has not been reported in large, multi-ethnic general populations (Genome Aggregation Database). Based on the available information, this variant is classified as pathogenic.

Color Diagnostics, LLC DBA Color Health
Classification: Pathogenic for Hereditary cancer-predisposing syndrome. Last evaluated: 2023-07-17. Review status: criteria provided, single submitter. Criteria: ACMG Guidelines, 2015. Collection method: clinical testing. Allele origin: germline. Not counted in ClinVar's aggregate classification.
Comment: This variant deletes 4 nucleotides in exon 11 of the BRCA2 gene, creating a frameshift and premature translation stop signal. This variant is expected to result in an absent or non-functional protein product. This variant has been detected in at least one individual affected with breast cancer and has been reported in one family among the CIMBA participants (PMID: 29446198; Color internal data). This variant has not been identified in the general population by the Genome Aggregation Database (gnomAD). Loss of BRCA2 function is a known mechanism of disease. Based on the available evidence, this variant is classified as Pathogenic.

Ambry Genetics
Classification: Pathogenic for Hereditary cancer-predisposing syndrome. Last evaluated: 2023-07-07. Review status: criteria provided, single submitter. Criteria: Ambry Variant Classification Scheme 2023. Collection method: clinical testing. Allele origin: germline. Not counted in ClinVar's aggregate classification.
Comment: The c.3160_3163delGATA pathogenic mutation, located in coding exon 10 of the BRCA2 gene, results from a deletion of 4 nucleotides at nucleotide positions 3160 to 3163, causing a translational frameshift with a predicted alternate stop codon (p.D1054Ifs*5). This variant is considered to be rare based on population cohorts in the Genome Aggregation Database (gnomAD). This alteration is expected to result in loss of function by premature protein truncation or nonsense-mediated mRNA decay. As such, this alteration is interpreted as a disease-causing mutation.

GeneDx
Classification: Pathogenic. Last evaluated: 2022-10-06. Review status: criteria provided, single submitter. Criteria: GeneDx Variant Classification Process June 2021. Collection method: clinical testing. Allele origin: germline. Affected: yes. Not counted in ClinVar's aggregate classification.
Comment: Frameshift variant predicted to result in protein truncation or nonsense mediated decay in a gene for which loss of function is a known mechanism of disease; Truncating variants in this gene are considered pathogenic by a well-established clinical consortium and/or database; Observed in women with personal and/or family history of breast cancer (Gao et al., 2020); Not observed at significant frequency in large population cohorts (gnomAD); Also known as 3388_3391delGATA; This variant is associated with the following publications: (PMID: 14973102, 31825140, 21702907)